The following is an entry in ClinVar:

ClinVar aggregate classification (germline): Benign. Review status: criteria provided, multiple submitters, no conflicts (2 of 4 stars). 2 submissions from 2 submitters: Benign (2). Last evaluated 2018-01-12.

Conditions:
Growth delay due to insulin-like growth factor I resistance. Also called: Somatomedin end-organ insensitivity to; Somatomedin-c resistance to; IGF-1 resistance; IGF-I RESISTANCE; Insulin-Like Growth Factor I Resistance. Identifiers: Orphanet 73273, MedGen C1849157, MONDO:0010038, OMIM 270450.

Allele frequency attached by ClinVar (database versions not stated): 1000 Genomes Project 0.43171; 1000 Genomes Project 30x 0.43301; TOPMed 0.44602.
gnomAD v4.1: 105,929 of 233,094 alleles (45%); highest among the groups gnomAD compares: East Asian, 53%; 24,571 homozygotes.

Submissions (2):

Illumina Laboratory Services, Illumina
Classification: Benign for Growth delay due to insulin-like growth factor I resistance. Last evaluated: 2018-01-12. Review status: criteria provided, single submitter. Criteria: ICSL Variant Classification Criteria 13 December 2019. Collection method: clinical testing. Allele origin: germline.
Comment: This variant was observed in the ICSL laboratory as part of a predisposition screen in an ostensibly healthy population. It had not been previously curated by ICSL or reported in the Human Gene Mutation Database (HGMD: prior to June 1st, 2018), and was therefore a candidate for classification through an automated scoring system. Utilizing variant allele frequency, disease prevalence and penetrance estimates, and inheritance mode, an automated score was calculated to assess if this variant is too frequent to cause the disease. Based on the score and internal cut-off values, a variant classified as benign is not then subjected to further curation. The score for this variant resulted in a classification of benign for this disease.

Breakthrough Genomics
Classification: Benign. Review status: criteria provided, single submitter. Criteria: ACMG Guidelines, 2015. Collection method: not provided. Allele origin: germline. Inheritance: Autosomal dominant inheritance. Affected: yes.

NM_000875.5(IGF1R):c.*4458C>G

Gene: IGF1R (insulin like growth factor 1 receptor; plus strand). Cytogenetic location: 15q26.3.
Variant type: single nucleotide variant.
Coding change: c.*4458C>G on transcript NM_000875.5 (MANE Select); 4458 bases downstream of the stop codon, C replaced by G.
Molecular consequence: 3 prime UTR variant.
Genome position (GRCh38, 1-based): chr15:98,961,900, C>G. VCF-style: chr15-98961900-C-G. GRCh37 (hg19) VCF-style: chr15-99505129-C-G.
Other names: c.*4458C>G (NM_001291858.2).
Identifiers: ClinVar variation 317580 (VCV000317580.6), dbSNP rs2654981, ClinGen allele CA10636822.